The following is an entry in ClinVar:

ClinVar aggregate classification (germline): Uncertain significance (1 of 4 stars; one submission).

Conditions:
Atypical hemolytic-uremic syndrome. Identifiers: Orphanet 2134, MedGen C2931788, MONDO:0016244.

Submission:

Genomenon, Inc
Classification: Uncertain significance for Atypical hemolytic-uremic syndrome. Last evaluated: 2025-10-02. Review status: criteria provided, single submitter. Criteria: Genomenon Sequence Variant Interpretation Standards. Collection method: curation. Allele origin: germline. Affected: yes.
Comment: CD46 c.389+5G>A is a splice variant located in the donor splice region of intron 3. This variant has been observed in at least one proband affected with atypical hemolytic-uremic syndrome (PMID:30916388). It is absent or not present at a significant frequency in gnomAD. In silico models agree that this variant is possibly or probably damaging. In conclusion, we classify CD46 c.389+5G>A as a variant of uncertain significance.

Literature cited by the submitters: PubMed 30916388.

NM_172351.3(CD46):c.389+5G>A

Gene: CD46 (CD46 molecule; plus strand). Cytogenetic location: 1q32.2.
Variant type: single nucleotide variant.
Coding change: c.389+5G>A on transcript NM_172351.3 (MANE Select); 5 bases into the intron after coding-DNA position 389, G replaced by A.
Molecular consequence: intron variant.
Genome position (GRCh38, 1-based): chr1:207,757,647, G>A. VCF-style: chr1-207757647-G-A. GRCh37 (hg19) VCF-style: chr1-207930992-G-A.
Other names: c.389+5G>A (NM_002389.4, NM_172359.3, NM_153826.4 and 8 more transcripts).
Identifiers: ClinVar variation 4291220 (VCV004291220.1).